The following is an entry in ClinVar:

NM_000179.3(MSH6):c.3710A>C (p.Glu1237Ala)

Gene: MSH6 (mutS homolog 6; plus strand). Cytogenetic location: 2p16.3.
Variant type: single nucleotide variant.
Coding change: c.3710A>C on transcript NM_000179.3 (MANE Select); coding-DNA position 3710, A replaced by C.
Protein change: p.Glu1237Ala; replaces glutamic acid 1237 with alanine.
Molecular consequence: missense variant.
Genome position (GRCh38, 1-based): chr2:47,806,267, A>C. VCF-style: chr2-47806267-A-C. GRCh37 (hg19) VCF-style: chr2-48033406-A-C.
Other names: c.3320A>C, p.Glu1107Ala (NM_001281492.2); c.2804A>C, p.Glu935Ala (NM_001281493.2, NM_001281494.2); short protein forms E1107A, E1237A, E935A.
Identifiers: ClinVar variation 1697916 (VCV001697916.8), dbSNP rs2104540805, ClinGen allele CA346760998.

ClinVar aggregate classification (germline): Uncertain significance. Review status: criteria provided, multiple submitters, no conflicts (2 of 4 stars). 2 submissions from 2 submitters: Uncertain significance (2). Last evaluated 2025-03-21.

Conditions:
Lynch syndrome. Identifiers: Orphanet 144, MedGen C4552100, MONDO:0005835. Disease mechanism: loss of function.

Submissions (2):

Department of Clinical Genetics, Copenhagen University Hospital, Rigshospitalet
Classification: Uncertain significance for Lynch syndrome. Last evaluated: 2025-03-21. Review status: criteria provided, single submitter. Criteria: ACMG Guidelines, 2015. Collection method: clinical testing. Allele origin: germline.
Comment: The following ACMG criteria has been used: PM2_SUP; BP4

Center for Genomic Medicine, Rigshospitalet, Copenhagen University Hospital
Classification: Uncertain significance. Last evaluated: 2025-03-04. Review status: criteria provided, single submitter. Criteria: ACMG Guidelines, 2015. Collection method: clinical testing. Allele origin: germline.